The following is an entry in ClinVar:

NM_000135.4(FANCA):c.2223-3C>T

Gene: FANCA (FA complementation group A; minus strand). Cytogenetic location: 16q24.3.
Variant type: single nucleotide variant.
Coding change: c.2223-3C>T on transcript NM_000135.4 (MANE Select); 3 bases into the intron before coding-DNA position 2223, C replaced by T.
Molecular consequence: intron variant.
Genome position (GRCh38, 1-based): chr16:89,770,262, G>A on the plus strand (C>T on the coding strand, the complement: FANCA is on the minus strand). VCF-style: chr16-89770262-G-A. GRCh37 (hg19) VCF-style: chr16-89836670-G-A.
Other names: c.2223-3C>T (NM_001286167.3).
Identifiers: ClinVar variation 1420564 (VCV001420564.3), dbSNP rs2039278966, ClinGen allele CA2573152932.

ClinVar aggregate classification (germline): Uncertain significance (1 of 4 stars; one submission).

Conditions:
Fanconi anemia (FA). Also called: Fanconi's anemia. Identifiers: Orphanet 84, MedGen C0015625, MeSH D005199, MONDO:0019391.

Allele frequency attached by ClinVar (database versions not stated): gnomAD exomes below 0.00001.
gnomAD v4.1: 6 of 1,569,702 alleles (0.00038%); highest among the groups gnomAD compares: Non-Finnish European, 0.00052%; no homozygotes.

Submission:

Labcorp Genetics (formerly Invitae), Labcorp
Classification: Uncertain significance for Fanconi anemia. Last evaluated: 2021-06-13. Review status: criteria provided, single submitter. Criteria: Invitae Variant Classification Sherloc (09022015). Collection method: clinical testing. Allele origin: germline.
Comment: This sequence change falls in intron 24 of the FANCA gene. It does not directly change the encoded amino acid sequence of the FANCA protein. It affects a nucleotide within the consensus splice site of the intron. This variant is not present in population databases (ExAC no frequency). This variant has not been reported in the literature in individuals with FANCA-related conditions. Nucleotide substitutions within the consensus splice site are a relatively common cause of aberrant splicing (PMID: 17576681, 9536098). Algorithms developed to predict the effect of sequence changes on RNA splicing suggest that this variant is not likely to affect RNA splicing, but this prediction has not been confirmed by published transcriptional studies. In summary, the available evidence is currently insufficient to determine the role of this variant in disease. Therefore, it has been classified as a Variant of Uncertain Significance.

Literature cited by the submitters: PubMed 17576681; PubMed 9536098.